The following is an entry in ClinVar:

ClinVar aggregate classification (germline): Uncertain significance (1 of 4 stars; one submission).

Conditions:
Epidermolysis bullosa simplex 3, localized or generalized intermediate, with BP230 deficiency (EBS3). Also called: Epidermolysis bullosa simplex, autosomal recessive 2; Epidermolysis bullosa simplex due to BP230 deficiency. Identifiers: Orphanet 412181, MedGen C3809470, MONDO:0014180, OMIM 615425.
Hereditary sensory and autonomic neuropathy type 6. Also called: HSAN VI; Neuropathy, hereditary sensory and autonomic, type VI. Identifiers: Orphanet 314381, MedGen C3539003, MONDO:0013839, OMIM 614653.

Submission:

Labcorp Genetics (formerly Invitae), Labcorp
Classification: Uncertain significance for Epidermolysis bullosa simplex 3, localized or generalized intermediate, with BP230 deficiency; Hereditary sensory and autonomic neuropathy type 6. Last evaluated: 2025-07-29. Review status: criteria provided, single submitter. Criteria: Invitae Variant Classification Sherloc (09022015). Collection method: clinical testing. Allele origin: germline.
Comment: The DST gene has multiple clinically relevant transcripts. This variant occurs in alternate transcript NM_015548.4, and corresponds to NM_001723.5:c.*62472A>G in the primary transcript. This sequence change affects codon 2626 of the DST mRNA. It is a 'silent' change, meaning that it does not change the encoded amino acid sequence of the DST protein. This variant is not present in population databases (gnomAD no frequency). This variant has not been reported in the literature in individuals affected with DST-related conditions. Experimental studies and prediction algorithms are not available or were not evaluated, and the effect of this variant on mRNA splicing is currently unknown. In summary, the available evidence is currently insufficient to determine the role of this variant in disease. Therefore, it has been classified as a Variant of Uncertain Significance.

NM_001374736.1(DST):c.15747A>G (p.Ser5249=)

Gene: DST (dystonin; minus strand). Cytogenetic location: 6p12.1.
Variant type: single nucleotide variant.
Coding change: c.15747A>G on transcript NM_001374736.1 (MANE Select); coding-DNA position 15747, A replaced by G.
Protein change: p.Ser5249=; no amino-acid change (serine 5249 retained).
Molecular consequence: synonymous variant.
Genome position (GRCh38, 1-based): chr6:56,553,045, T>C on the plus strand (A>G on the coding strand, the complement: DST is on the minus strand). VCF-style: chr6-56553045-T-C. GRCh37 (hg19) VCF-style: chr6-56417843-T-C.
Other names: c.9390A>G, p.Ser3130= (NM_001144769.5); c.8976A>G, p.Ser2992= (NM_001144770.2); c.15747A>G, p.Ser5249= (NM_001374722.1); c.15114A>G, p.Ser5038= (NM_001374729.1); c.8856A>G, p.Ser2952= (NM_001374730.1, NM_001386100.1, NM_183380.4); c.15774A>G, p.Ser5258= (NM_001374734.1); c.7878A>G, p.Ser2626= (NM_015548.5).
Identifiers: ClinVar variation 4789245 (VCV004789245.1).